The following is an entry in ClinVar:

NM_020964.3(EPG5):c.5110-1G>C

Gene: EPG5 (ectopic P-granules 5 autophagy tethering factor; minus strand). Cytogenetic location: 18q12.3.
Variant type: single nucleotide variant.
Coding change: c.5110-1G>C on transcript NM_020964.3 (MANE Select); the canonical splice acceptor site of the intron before coding-DNA position 5110, G replaced by C.
Molecular consequence: splice acceptor variant.
Genome position (GRCh38, 1-based): chr18:45,884,812, C>G on the plus strand (G>C on the coding strand, the complement: EPG5 is on the minus strand). VCF-style: chr18-45884812-C-G. GRCh37 (hg19) VCF-style: chr18-43464777-C-G.
Other names: c.5110-1G>C (NM_001410858.1, NM_001410859.1).
Identifiers: ClinVar variation 2736723 (VCV002736723.3), dbSNP rs2511609422, ClinGen allele CA402345963.

ClinVar aggregate classification (germline): Pathogenic (1 of 4 stars; one submission).

Conditions:
Vici syndrome (VICIS). Identifiers: Orphanet 1493, MedGen C1855772, MONDO:0009452, OMIM 242840.

Allele frequency attached by ClinVar (database versions not stated): gnomAD exomes 0.00001.
gnomAD v4.1: 7 of 1,517,044 alleles (0.00046%); highest among the groups gnomAD compares: South Asian, 0.0051%; no homozygotes.

Submission:

Labcorp Genetics (formerly Invitae), Labcorp
Classification: Pathogenic for Vici syndrome. Last evaluated: 2023-10-18. Review status: criteria provided, single submitter. Criteria: Invitae Variant Classification Sherloc (09022015). Collection method: clinical testing. Allele origin: germline.
Comment: This sequence change affects an acceptor splice site in intron 29 of the EPG5 gene. It is expected to disrupt RNA splicing. Variants that disrupt the donor or acceptor splice site typically lead to a loss of protein function (PMID: 16199547), and loss-of-function variants in EPG5 are known to be pathogenic (PMID: 23222957, 23674064). This variant is not present in population databases (gnomAD no frequency). Disruption of this splice site has been observed in individual(s) with Vici syndrome (PMID: 23222957). In at least one individual the data is consistent with being in trans (on the opposite chromosome) from a pathogenic variant. Algorithms developed to predict the effect of sequence changes on RNA splicing suggest that this variant may disrupt the consensus splice site. For these reasons, this variant has been classified as Pathogenic.

Literature cited by the submitters: PubMed 16199547; PubMed 23222957; PubMed 23674064.